The following is an entry in ClinVar:

NM_004168.4(SDHA):c.44G>C (p.Arg15Pro)

Gene: SDHA (succinate dehydrogenase complex flavoprotein subunit A; plus strand). Cytogenetic location: 5p15.33.
Variant type: single nucleotide variant.
Coding change: c.44G>C on transcript NM_004168.4 (MANE Select); coding-DNA position 44, G replaced by C.
Protein change: p.Arg15Pro; replaces arginine 15 with proline.
Molecular consequence: missense variant.
Genome position (GRCh38, 1-based): chr5:218,399, G>C. VCF-style: chr5-218399-G-C. GRCh37 (hg19) VCF-style: chr5-218514-G-C.
Other names: c.44G>C, p.Arg15Pro (NM_001294332.2, NM_001330758.2); short protein forms R15P.
Identifiers: ClinVar variation 412348 (VCV000412348.19), dbSNP rs1060503707, ClinGen allele CA16611820.

ClinVar aggregate classification (germline): Uncertain significance. Review status: criteria provided, multiple submitters, no conflicts (2 of 4 stars). 4 submissions from 4 submitters: Uncertain significance (4). Last evaluated 2025-10-29.

Conditions:
Mitochondrial complex II deficiency, nuclear type 1. Also called: SUCCINATE CoQ REDUCTASE DEFICIENCY. Identifiers: Orphanet 3208, MedGen C5700310, MONDO:0100294, OMIM 252011.
Pheochromocytoma/paraganglioma syndrome 5. Also called: SDHA-Related Hereditary Paraganglioma-Pheochromocytoma Syndrome; Paragangliomas 5. Identifiers: Orphanet 29072, MedGen C3279992, MONDO:0013602, OMIM 614165.
Hereditary cancer-predisposing syndrome. Also called: Neoplastic Syndromes, Hereditary; Hereditary Cancer Syndrome; Tumor predisposition; Hereditary neoplastic syndrome. Identifiers: Orphanet 140162, MedGen C0027672, MeSH D009386, MONDO:0015356.
Dilated cardiomyopathy 1GG (CMD1GG). Identifiers: Orphanet 154, MedGen C3150898, MONDO:0013339, OMIM 613642.

Submissions (4):

Labcorp Genetics (formerly Invitae), Labcorp
Classification: Uncertain significance for Pheochromocytoma/paraganglioma syndrome 5; Mitochondrial complex II deficiency, nuclear type 1. Last evaluated: 2025-10-29. Review status: criteria provided, single submitter. Criteria: Invitae Variant Classification Sherloc (09022015). Collection method: clinical testing. Allele origin: germline.
Comment: This sequence change replaces arginine, which is basic and polar, with proline, which is neutral and non-polar, at codon 15 of the SDHA protein (p.Arg15Pro). This variant is not present in population databases (gnomAD no frequency). This variant has not been reported in the literature in individuals affected with SDHA-related conditions. ClinVar contains an entry for this variant (Variation ID: 412348). Invitae Evidence Modeling of protein sequence and biophysical properties (such as structural, functional, and spatial information, amino acid conservation, physicochemical variation, residue mobility, and thermodynamic stability) indicates that this missense variant is not expected to disrupt SDHA protein function with a negative predictive value of 95%. In summary, the available evidence is currently insufficient to determine the role of this variant in disease. Therefore, it has been classified as a Variant of Uncertain Significance.

Ambry Genetics
Classification: Uncertain significance for Hereditary cancer-predisposing syndrome. Last evaluated: 2024-06-18. Review status: criteria provided, single submitter. Criteria: Ambry Variant Classification Scheme 2023. Collection method: clinical testing. Allele origin: germline.
Comment: The p.R15P variant (also known as c.44G>C), located in coding exon 1 of the SDHA gene, results from a G to C substitution at nucleotide position 44. The arginine at codon 15 is replaced by proline, an amino acid with dissimilar properties. This amino acid position is well conserved in available vertebrate species. In addition, the in silico prediction for this alteration is inconclusive. Since supporting evidence is limited at this time, the clinical significance of this alteration remains unclear.

Baylor Genetics
Classification: Uncertain significance for Dilated cardiomyopathy 1GG. Last evaluated: 2024-03-05. Review status: criteria provided, single submitter. Criteria: ACMG Guidelines, 2015. Collection method: clinical testing. Allele origin: unknown.

Sema4
Classification: Uncertain significance for Hereditary cancer-predisposing syndrome. Last evaluated: 2021-10-19. Review status: criteria provided, single submitter. Criteria: Sema4 Curation Guidelines. Collection method: curation. Allele origin: germline.
Comment: The SDHA c.44G>C (p.R15P) variant has not been reported in the literature to our knowledge. It was not observed in the large and broad cohorts of the Genome Aggregation Database (PMID: 32461654), nor in ClinVar. Functional studies have not been performed, and in silico predictions of the variant's effect on protein function are inconclusive. The evidence is insufficient to meet ACMG/AMP criteria for classifying the variant as benign or pathogenic. Thus, the clinical significance of this variant is currently uncertain.